The following is an entry in ClinVar:

NM_000222.3(KIT):c.1240G>C (p.Glu414Gln)

Gene: KIT (KIT proto-oncogene, receptor tyrosine kinase; plus strand). Cytogenetic location: 4q12.
Variant type: single nucleotide variant.
Coding change: c.1240G>C on transcript NM_000222.3 (MANE Select); coding-DNA position 1240, G replaced by C.
Protein change: p.Glu414Gln; replaces glutamic acid 414 with glutamine.
Molecular consequence: missense variant.
Genome position (GRCh38, 1-based): chr4:54,723,592, G>C. VCF-style: chr4-54723592-G-C. GRCh37 (hg19) VCF-style: chr4-55589758-G-C.
Other names: c.1240G>C, p.Glu414Gln (NM_001093772.2, NM_001385285.1, NM_001385286.1); c.1243G>C, p.Glu415Gln (NM_001385284.1, NM_001385288.1, NM_001385290.1 and 1 more transcripts); short protein forms E414Q, E415Q.
Identifiers: ClinVar variation 836427 (VCV000836427.13), dbSNP rs1722025262, ClinGen allele CA356905325.

ClinVar aggregate classification (germline): Uncertain significance. Review status: criteria provided, multiple submitters, no conflicts (2 of 4 stars). 2 submissions from 2 submitters: Uncertain significance (2). Last evaluated 2023-11-24.

Conditions:
Hereditary cancer-predisposing syndrome. Also called: Neoplastic Syndromes, Hereditary; Tumor predisposition; Hereditary Cancer Syndrome; Hereditary neoplastic syndrome. Identifiers: Orphanet 140162, MedGen C0027672, MeSH D009386, MONDO:0015356.
Gastrointestinal stromal tumor. Also called: Gastrointestinal stromal tumor, somatic; Gastrointestinal stroma tumor. Identifiers: Orphanet 44890, MedGen C0238198, MeSH D046152, MONDO:0011719, OMIM 606764, HP:0100723.

Allele frequency attached by ClinVar (database versions not stated): gnomAD exomes below 0.00001.
gnomAD v4.1: 4 of 1,613,612 alleles (0.00025%); highest among the groups gnomAD compares: Non-Finnish European, 0.00025%; no homozygotes.

Submissions (2):

Labcorp Genetics (formerly Invitae), Labcorp
Classification: Uncertain significance for Gastrointestinal stromal tumor. Last evaluated: 2023-11-24. Review status: criteria provided, single submitter. Criteria: Invitae Variant Classification Sherloc (09022015). Collection method: clinical testing. Allele origin: germline.
Comment: This sequence change replaces glutamic acid, which is acidic and polar, with glutamine, which is neutral and polar, at codon 414 of the KIT protein (p.Glu414Gln). This variant is not present in population databases (gnomAD no frequency). This variant has not been reported in the literature in individuals affected with KIT-related conditions. ClinVar contains an entry for this variant (Variation ID: 836427). An algorithm developed to predict the effect of missense changes on protein structure and function (PolyPhen-2) suggests that this variant is likely to be disruptive. In summary, the available evidence is currently insufficient to determine the role of this variant in disease. Therefore, it has been classified as a Variant of Uncertain Significance.

Ambry Genetics
Classification: Uncertain significance for Hereditary cancer-predisposing syndrome. Last evaluated: 2023-07-09. Review status: criteria provided, single submitter. Criteria: Ambry Variant Classification Scheme 2023. Collection method: clinical testing. Allele origin: germline.
Comment: The p.E414Q variant (also known as c.1240G>C), located in coding exon 8 of the KIT gene, results from a G to C substitution at nucleotide position 1240. The glutamic acid at codon 414 is replaced by glutamine, an amino acid with highly similar properties. This amino acid position is conserved. In addition, this alteration is predicted to be tolerated by in silico analysis. Since supporting evidence is limited at this time, the clinical significance of this alteration remains unclear.